The following is an entry in ClinVar:

ClinVar aggregate classification (germline): Pathogenic (1 of 4 stars; one submission).

Conditions:
Myasthenic syndrome, congenital, 7B, presynaptic, autosomal recessive (CMS7B). Identifiers: MedGen C5561947, MONDO:0030341, OMIM 619461.

Submission:

Broad Center for Mendelian Genomics, Broad Institute of MIT and Harvard
Classification: Pathogenic for Myasthenic syndrome, congenital, 7B, presynaptic, autosomal recessive. Last evaluated: 2024-12-12. Review status: criteria provided, single submitter. Criteria: ACMG/ClinGen CNV Guidelines, 2019. Collection method: research. Allele origin: biparental. Inheritance: Autosomal recessive inheritance. Affected: yes. Study: GREGoR Consortium.
Comment: The patient phenotype is nonspecific, but is consistent with cases described in the literature. These breakpoints have been estimated by exome sequencing only and therefore may not reflect the true breakpoints. There is overlap with the 3’ end of the SYT2 gene including coding sequence. This alteration is then predicted to lead to a truncated or absent protein. Loss of function of the SYT2 gene is an established disease mechanism in autosomal recessive congenital myasthenic syndrome. In summary, this variant meets criteria to be classified as pathogenic for autosomal recessive congenital myasthenic syndrome. The ACMG/ClinGen evidence codes and points used in this curation are as follows: 1: 0 points, 2: 0.9 points, 3: 0 points, 4-5: 0.15 points; Total: 1.05 point; Riggs 2020 (PMID: 31690835).

GRCh38/hg38 1q32.1(chr1:202434559-202604719)x0

Genes: PPP1R12B (protein phosphatase 1 regulatory subunit 12B; plus strand), SYT2 (synaptotagmin 2; minus strand), LOC129388729 (MPRA-validated peak655 silencer; plus strand), LOC120893173 (Sharpr-MPRA regulatory region 4568; plus strand), LOC122149342 (Sharpr-MPRA regulatory region 7043; plus strand) and 3 more. Cytogenetic location: 1q32.1.
Variant type: copy number loss.
Change: copy number 0 (both copies lost) of chr1:202,434,559-202,604,719 (170.2 kb, GRCh38 coordinates, 1-based), cytogenetic band 1q32.1.
Identifiers: ClinVar variation 3571449 (VCV003571449.1).